The following is an entry in ClinVar:

ClinVar aggregate classification (germline): Uncertain significance (1 of 4 stars; one submission).

Conditions:
Juvenile polyposis syndrome (JPS). Identifiers: Orphanet 2929, MedGen C0345893, MONDO:0017380, OMIM 174900.

Submission:

Labcorp Genetics (formerly Invitae), Labcorp
Classification: Uncertain significance for Juvenile polyposis syndrome. Last evaluated: 2022-01-05. Review status: criteria provided, single submitter. Criteria: Invitae Variant Classification Sherloc (09022015). Collection method: clinical testing. Allele origin: germline.
Comment: In summary, the available evidence is currently insufficient to determine the role of this variant in disease. Therefore, it has been classified as a Variant of Uncertain Significance. Advanced modeling of protein sequence and biophysical properties (such as structural, functional, and spatial information, amino acid conservation, physicochemical variation, residue mobility, and thermodynamic stability) performed at Invitae indicates that this missense variant is not expected to disrupt SMAD4 protein function. This variant has not been reported in the literature in individuals affected with SMAD4-related conditions. This variant is not present in population databases (gnomAD no frequency). This sequence change replaces threonine, which is neutral and polar, with serine, which is neutral and polar, at codon 197 of the SMAD4 protein (p.Thr197Ser).

NM_005359.6(SMAD4):c.589A>T (p.Thr197Ser)

Gene: SMAD4 (SMAD family member 4; plus strand). Cytogenetic location: 18q21.2.
Variant type: single nucleotide variant.
Coding change: c.589A>T on transcript NM_005359.6 (MANE Select); coding-DNA position 589, A replaced by T.
Protein change: p.Thr197Ser; replaces threonine 197 with serine.
Molecular consequence: missense variant.
Genome position (GRCh38, 1-based): chr18:51,054,915, A>T. VCF-style: chr18-51054915-A-T. GRCh37 (hg19) VCF-style: chr18-48581285-A-T.
Other names: c.589A>T, p.Thr197Ser (NM_001407043.1, NM_001407041.1, NM_001407042.1); short protein forms T197S.
Identifiers: ClinVar variation 2075005 (VCV002075005.4), dbSNP rs1599186969, ClinGen allele CA402461077.
Genomic context (GRCh38, chr18:51,054,915, plus strand): 5'-CATTCAATTCAAACCATCCAGCATCCACCAAGTAATCGTGCATCGACAGAGACATACAGC[A>T]CCCCAGCTCTGTTAGCCCCATCTGAGTCTAATGCTACCAGCACTGCCAACTTTCCCAACA-3'
Protein context (NP_005350.1, residues 187-207): SNRASTETYS[Thr197Ser]PALLAPSESN